The following is an entry in ClinVar:

ClinVar aggregate classification (germline): Likely benign. Review status: criteria provided, multiple submitters, no conflicts (2 of 4 stars). 6 submissions from 6 submitters: Likely benign (6). Last evaluated 2026-05-11.

Conditions:
RYR1-related disorder. Also called: RYR1-related condition; RYR1-related disorders. Identifiers: MedGen CN239331.
Malignant hyperthermia, susceptibility to, 1 (MHS1). Also called: Anesthesia related hyperthermia; Malignant hyperpyrexia; Fulminating hyperpyrexia; Pharmacogenic myopathy; Malignant hyperthermia suceptibility 1; RYR1-Related Malignant Hyperthermia Susceptibility. Identifiers: Orphanet 423, MedGen C2930980, MONDO:0007783, OMIM 145600.

Allele frequency attached by ClinVar (database versions not stated): gnomAD 0.00004 and 0.00005; gnomAD exomes 0.00007 and 0.00017; TOPMed 0.00008; 1000 Genomes Project 30x 0.00016; ExAC 0.00017; 1000 Genomes Project 0.00020.
gnomAD v4.1: 116 of 1,613,912 alleles (0.0072%); highest among the groups gnomAD compares: Admixed American, 0.023%; no homozygotes.

Submissions (6):

Women's Health and Genetics/Laboratory Corporation of America, LabCorp
Classification: Likely benign. Last evaluated: 2026-05-11. Review status: criteria provided, single submitter. Criteria: LabCorp Variant Classification Summary - May 2015. Collection method: clinical testing. Allele origin: germline.

Labcorp Genetics (formerly Invitae), Labcorp
Classification: Likely benign for RYR1-related disorder. Last evaluated: 2025-03-25. Review status: criteria provided, single submitter. Criteria: Invitae Variant Classification Sherloc (09022015). Collection method: clinical testing. Allele origin: germline.

All of Us Research Program, National Institutes of Health
Classification: Likely benign for Malignant hyperthermia, susceptibility to, 1. Last evaluated: 2023-12-13. Review status: criteria provided, single submitter. Criteria: ACMG Guidelines, 2015. Collection method: clinical testing. Allele origin: germline. Inheritance: Autosomal dominant inheritance. Observed: 16 variant alleles, 16 heterozygotes.
Comment: This variant is located in the RYR1 protein. To our knowledge, functional studies have not been reported for this variant. This variant has not been reported in individuals affected with RYR1-related disorders in the literature. This variant has been identified in 45/282500 chromosomes in the general population by the Genome Aggregation Database (gnomAD). The available evidence is insufficient to determine the role of this variant in disease conclusively. Therefore, this variant is classified as a Variant of Uncertain Significance.

This study involves interpretation of variants in research participants for the purpose of population health screening. Participant phenotype was not available at the time of variant classification. Additional details can be found in publication PMID: 35346344, PMCID: PMC8962531

Color Diagnostics, LLC DBA Color Health
Classification: Likely benign for Malignant hyperthermia, susceptibility to, 1. Last evaluated: 2023-05-15. Review status: criteria provided, single submitter. Criteria: ACMG Guidelines, 2015. Collection method: clinical testing. Allele origin: germline.

Blueprint Genetics
Classification: Likely benign. Last evaluated: 2022-07-26. Review status: criteria provided, single submitter. Criteria: ACMG Guidelines, 2015. Collection method: clinical testing. Allele origin: germline.

PreventionGenetics, part of Exact Sciences
Classification: Likely benign. Review status: criteria provided, single submitter. Criteria: ACMG Guidelines, 2015. Collection method: clinical testing. Allele origin: germline.

NM_000540.3(RYR1):c.3567C>T (p.Pro1189=)

Gene: RYR1 (ryanodine receptor 1; plus strand). Cytogenetic location: 19q13.2.
Variant type: single nucleotide variant.
Coding change: c.3567C>T on transcript NM_000540.3 (MANE Select); coding-DNA position 3567, C replaced by T.
Protein change: p.Pro1189=; no amino-acid change (proline 1189 retained).
Molecular consequence: synonymous variant.
Genome position (GRCh38, 1-based): chr19:38,469,315, C>T. VCF-style: chr19-38469315-C-T. GRCh37 (hg19) VCF-style: chr19-38959955-C-T.
Other names: c.3567C>T, p.Pro1189= (NM_001042723.2).
Identifiers: ClinVar variation 256495 (VCV000256495.33), dbSNP rs200161205, ClinGen allele CA065026.